The following is an entry in ClinVar:

ClinVar aggregate classification (germline): Uncertain significance. Review status: criteria provided, multiple submitters, no conflicts (2 of 4 stars). 2 submissions from 2 submitters: Uncertain significance (2). Last evaluated 2023-12-13.

Conditions:
Episodic ataxia type 2 (EA2). Also called: ACETAZOLAMIDE-RESPONSIVE HEREDITARY PAROXYSMAL CEREBELLAR ATAXIA; CEREBELLAR ATAXIA, PAROXYSMAL, ACETAZOLAMIDE-RESPONSIVE; CEREBELLOPATHY, HEREDITARY PAROXYSMAL; EPISODIC ATAXIA, NYSTAGMUS-ASSOCIATED; ATAXIA, EPISODIC, WITH NYSTAGMUS; ATAXIA, FAMILIAL PAROXYSMAL. Identifiers: Orphanet 97, MedGen C1720416, MONDO:0007163, OMIM 108500.
Developmental and epileptic encephalopathy, 42 (DEE42A). Also called: DEVELOPMENTAL AND EPILEPTIC ENCEPHALOPATHY 42A; EPILEPTIC ENCEPHALOPATHY, EARLY INFANTILE, 42A; Epileptic encephalopathy, early infantile, 42. Identifiers: MedGen C4310716, MONDO:0014917, OMIM 617106.

Allele frequency attached by ClinVar (database versions not stated): gnomAD exomes below 0.00001 and 0.00003; ExAC 0.00001; gnomAD 0.00001; TOPMed 0.00003.
gnomAD v4.1: 41 of 1,590,324 alleles (0.0026%); highest among the groups gnomAD compares: Non-Finnish European, 0.0034%; no homozygotes.

Submissions (2):

Labcorp Genetics (formerly Invitae), Labcorp
Classification: Uncertain significance for Developmental and epileptic encephalopathy, 42; Episodic ataxia type 2. Last evaluated: 2023-12-13. Review status: criteria provided, single submitter. Criteria: Invitae Variant Classification Sherloc (09022015). Collection method: clinical testing. Allele origin: germline.
Comment: This sequence change replaces alanine, which is neutral and non-polar, with valine, which is neutral and non-polar, at codon 926 of the CACNA1A protein (p.Ala926Val). The frequency data for this variant in the population databases is considered unreliable, as metrics indicate poor data quality at this position in the gnomAD database. This missense change has been observed in individual(s) with clinical features of epilepsy (PMID: 34806130). ClinVar contains an entry for this variant (Variation ID: 577802). Advanced modeling of protein sequence and biophysical properties (such as structural, functional, and spatial information, amino acid conservation, physicochemical variation, residue mobility, and thermodynamic stability) performed at Invitae indicates that this missense variant is not expected to disrupt CACNA1A protein function with a negative predictive value of 95%. In summary, the available evidence is currently insufficient to determine the role of this variant in disease. Therefore, it has been classified as a Variant of Uncertain Significance.

Athena Diagnostics
Classification: Uncertain significance. Last evaluated: 2021-08-12. Review status: criteria provided, single submitter. Criteria: Athena Diagnostics Criteria. Collection method: clinical testing. Allele origin: unknown.

Literature cited by the submitters: PubMed 34806130 (cited by Labcorp Genetics (formerly Invitae), Labcorp).

NM_001127222.2(CACNA1A):c.2774C>T (p.Ala925Val)

Gene: CACNA1A (calcium voltage-gated channel subunit alpha1 A; minus strand). Cytogenetic location: 19p13.13.
Variant type: single nucleotide variant.
Coding change: c.2774C>T on transcript NM_001127222.2 (MANE Select); coding-DNA position 2774, C replaced by T.
Protein change: p.Ala925Val; replaces alanine 925 with valine.
Molecular consequence: missense variant.
Genome position (GRCh38, 1-based): chr19:13,298,859, G>A on the plus strand (C>T on the coding strand, the complement: CACNA1A is on the minus strand). VCF-style: chr19-13298859-G-A. GRCh37 (hg19) VCF-style: chr19-13409673-G-A.
Other names: c.2786C>T, p.Ala929Val (NM_000068.4, NM_023035.3); c.2777C>T, p.Ala926Val (NM_001127221.2, NM_001174080.2); short protein forms A926V, A929V, A925V.
Identifiers: ClinVar variation 577802 (VCV000577802.11), dbSNP rs765345767, ClinGen allele CA9240482.